The following is an entry in ClinVar:

ClinVar aggregate classification (germline): Uncertain significance (1 of 4 stars; one submission).

Conditions:
Erythrocytosis, familial, 3 (ECYT3). Identifiers: Orphanet 247511, MedGen C1853286, MONDO:0012353, OMIM 609820.

Submission:

Labcorp Genetics (formerly Invitae), Labcorp
Classification: Uncertain significance for Erythrocytosis, familial, 3. Last evaluated: 2021-08-31. Review status: criteria provided, single submitter. Criteria: Invitae Variant Classification Sherloc (09022015). Collection method: clinical testing. Allele origin: germline.
Comment: In summary, the available evidence is currently insufficient to determine the role of this variant in disease. Therefore, it has been classified as a Variant of Uncertain Significance. This sequence change affects the initiator methionine of the EGLN1 mRNA. The next in-frame methionine is located at codon 27. The frequency data for this variant in the population databases is considered unreliable, as metrics indicate insufficient coverage at this position in the ExAC database. This variant has not been reported in the literature in individuals affected with EGLN1-related conditions.

NM_022051.3(EGLN1):c.3G>T (p.Met1Ile)

Gene: EGLN1 (egl-9 family hypoxia inducible factor 1; minus strand). Cytogenetic location: 1q42.2.
Variant type: single nucleotide variant.
Coding change: c.3G>T on transcript NM_022051.3 (MANE Select); coding-DNA position 3, G replaced by T.
Protein change: p.Met1Ile; changes the start codon (methionine 1).
Molecular consequence: missense variant, initiator codon variant.
Genome position (GRCh38, 1-based): chr1:231,421,886, C>A on the plus strand (G>T on the coding strand, the complement: EGLN1 is on the minus strand). VCF-style: chr1-231421886-C-A. GRCh37 (hg19) VCF-style: chr1-231557632-C-A.
Other names: c.3G>T, p.Met1Ile (NM_001377260.1, NM_001377261.1); short protein forms M1I.
Identifiers: ClinVar variation 1414304 (VCV001414304.6), dbSNP rs1308120626, ClinGen allele CA345239685.
Genomic context (GRCh38, chr1:231,421,886, plus strand): 5'-GCAGTACTGCCGGTCTCGCTCGCTCGGGCTCGGCCCGCCGGGCCCGCCGCTGTCATTGGC[C>A]ATGGCGGCGGCGGCGGCGGCGACGGCGACTGCGGCGGCCGAGCAGGAGGGGTAGCGGCCG-3'
Protein context (NP_071334.1, residues 1-11): [Met1Ile]ANDSGGPGGP